The following is an entry in ClinVar:

ClinVar aggregate classification (germline): Uncertain significance (1 of 4 stars; one submission).

Conditions:
Renal cell carcinoma. Identifiers: Orphanet 217071, MedGen C0007134, MeSH D002292, MONDO:0005086, HP:0005584.

Submission:

Labcorp Genetics (formerly Invitae), Labcorp
Classification: Uncertain significance for Renal cell carcinoma. Last evaluated: 2025-10-07. Review status: criteria provided, single submitter. Criteria: Invitae Variant Classification Sherloc (09022015). Collection method: clinical testing. Allele origin: germline.
Comment: This sequence change replaces arginine, which is basic and polar, with lysine, which is basic and polar, at codon 277 of the MET protein (p.Arg277Lys). This variant is not present in population databases (gnomAD no frequency). This variant has not been reported in the literature in individuals affected with MET-related conditions. Invitae Evidence Modeling of protein sequence and biophysical properties (such as structural, functional, and spatial information, amino acid conservation, physicochemical variation, residue mobility, and thermodynamic stability) indicates that this missense variant is not expected to disrupt MET protein function with a negative predictive value of 80%. In summary, the available evidence is currently insufficient to determine the role of this variant in disease. Therefore, it has been classified as a Variant of Uncertain Significance.

NM_000245.4(MET):c.830G>A (p.Arg277Lys)

Gene: MET (MET proto-oncogene, receptor tyrosine kinase; plus strand). Cytogenetic location: 7q31.2.
Variant type: single nucleotide variant.
Coding change: c.830G>A on transcript NM_000245.4 (MANE Select); coding-DNA position 830, G replaced by A.
Protein change: p.Arg277Lys; replaces arginine 277 with lysine.
Molecular consequence: missense variant. On other transcripts: intron variant (1).
Genome position (GRCh38, 1-based): chr7:116,699,914, G>A. VCF-style: chr7-116699914-G-A. GRCh37 (hg19) VCF-style: chr7-116339968-G-A.
Other names: c.830G>A, p.Arg277Lys (NM_001127500.3, NM_001324401.3); c.-91+27337G>A (NM_001324402.2); short protein forms R277K.
Identifiers: ClinVar variation 4764926 (VCV004764926.1).